The following is an entry in ClinVar:

ClinVar aggregate classification (germline): Benign/Likely benign. Review status: criteria provided, multiple submitters, no conflicts (2 of 4 stars). 4 submissions from 4 submitters: Benign (2); Likely benign (2). Last evaluated 2026-02-03.

Conditions:
Hereditary hyperekplexia. Identifiers: Orphanet 3197, MedGen C4084968, MONDO:0021022.
Hyperekplexia 1 (STHE). Also called: HYPEREKPLEXIA 1, AUTOSOMAL DOMINANT; HYPEREKPLEXIA 1, AUTOSOMAL RECESSIVE; EXAGGERATED STARTLE REACTION; KOK DISEASE; STARTLE DISEASE, FAMILIAL; STIFF-BABY SYNDROME. Identifiers: Orphanet 3197, MedGen C4551954, MONDO:0007868, OMIM 149400.

Allele frequency attached by ClinVar (database versions not stated): gnomAD exomes 0.00060 and 0.00147; ExAC 0.00181; 1000 Genomes Project 0.00499; 1000 Genomes Project 30x 0.00578; gnomAD 0.00606 and 0.00652; TOPMed 0.00628; ESP Exome Variant Server 0.00630.
gnomAD v4.1: 1,827 of 1,614,020 alleles (0.11%); highest among the groups gnomAD compares: African/African-American, 2.2%; 20 homozygotes.

Submissions (4):

Labcorp Genetics (formerly Invitae), Labcorp
Classification: Benign for Hereditary hyperekplexia. Last evaluated: 2026-02-03. Review status: criteria provided, single submitter. Criteria: Invitae Variant Classification Sherloc (09022015). Collection method: clinical testing. Allele origin: germline.

GeneDx
Classification: Likely benign. Last evaluated: 2020-08-24. Review status: criteria provided, single submitter. Criteria: GeneDx Variant Classification Process June 2021. Collection method: clinical testing. Allele origin: germline. Affected: yes.

Illumina Laboratory Services, Illumina
Classification: Benign for Hyperekplexia 1. Last evaluated: 2018-01-12. Review status: criteria provided, single submitter. Criteria: ICSL Variant Classification Criteria 13 December 2019. Collection method: clinical testing. Allele origin: germline.
Comment: This variant was observed in the ICSL laboratory as part of a predisposition screen in an ostensibly healthy population. It had not been previously curated by ICSL or reported in the Human Gene Mutation Database (HGMD: prior to June 1st, 2018), and was therefore a candidate for classification through an automated scoring system. Utilizing variant allele frequency, disease prevalence and penetrance estimates, and inheritance mode, an automated score was calculated to assess if this variant is too frequent to cause the disease. Based on the score and internal cut-off values, a variant classified as benign is not then subjected to further curation. The score for this variant resulted in a classification of benign for this disease.

Breakthrough Genomics
Classification: Likely benign. Review status: criteria provided, single submitter. Criteria: ACMG Guidelines, 2015. Collection method: not provided. Allele origin: germline. Inheritance: Autosomal dominant inheritance. Affected: yes.

NM_000171.4(GLRA1):c.390C>T (p.Asn130=)

Gene: GLRA1 (glycine receptor alpha 1; minus strand). Cytogenetic location: 5q33.1.
Variant type: single nucleotide variant.
Coding change: c.390C>T on transcript NM_000171.4 (MANE Select); coding-DNA position 390, C replaced by T.
Protein change: p.Asn130=; no amino-acid change (asparagine 130 retained).
Molecular consequence: synonymous variant.
Genome position (GRCh38, 1-based): chr5:151,859,871, G>A on the plus strand (C>T on the coding strand, the complement: GLRA1 is on the minus strand). VCF-style: chr5-151859871-G-A. GRCh37 (hg19) VCF-style: chr5-151239432-G-A.
Other names: c.390C>T, p.Asn130= (NM_001146040.2); c.141C>T, p.Asn47= (NM_001292000.2).
Identifiers: ClinVar variation 352318 (VCV000352318.19), dbSNP rs112970419, ClinGen allele CA3523707.
Genomic context (GRCh38, chr5:151,859,871, plus strand): 5'-CCGGGAGATCCTTAGCAATTTGTTGTCTGTGGTGATCTCATGGAAGTGGGCCCCCTTCTC[G>A]TTGGCAAAGAACAGGTCAGGTTTCCAGATGGAGTCCAGCATGGATGGGTCCAGGTCCAGA-3'
Protein context (NP_000162.2, residues 120-140): SIWKPDLFFA[Asn130=]EKGAHFHEIT